The following is an entry in ClinVar:

ClinVar aggregate classification (germline): Likely benign (0 of 4 stars; one submission).

Conditions:
HNF4A-related disorder. Also called: HNF4A-related condition.

Allele frequency attached by ClinVar (database versions not stated): gnomAD exomes below 0.00001; gnomAD 0.00001.
gnomAD v4.1: 2 of 1,614,084 alleles (0.00012%); highest among the groups gnomAD compares: Admixed American, 0.0017%; no homozygotes.

Submission:

PreventionGenetics, part of Exact Sciences
Classification: Likely benign for HNF4A-related condition. Last evaluated: 2022-08-26. Review status: no assertion criteria provided. Collection method: clinical testing. Allele origin: germline.
Comment: This variant is classified as likely benign based on ACMG/AMP sequence variant interpretation guidelines (Richards et al. 2015 PMID: 25741868, with internal and published modifications).

NM_175914.5(HNF4A):c.50-4562G>A

Gene: HNF4A (hepatocyte nuclear factor 4 alpha; plus strand). Cytogenetic location: 20q13.12.
Variant type: single nucleotide variant.
Coding change: c.50-4562G>A on transcript NM_175914.5 (MANE Select); 4562 bases into the intron before coding-DNA position 50, G replaced by A.
Molecular consequence: intron variant.
Genome position (GRCh38, 1-based): chr20:44,401,496, G>A. VCF-style: chr20-44401496-G-A. GRCh37 (hg19) VCF-style: chr20-43030136-G-A.
Other names: c.41-4562G>A (NM_001287182.2, NM_001287183.2, NM_001287184.2); c.50-4562G>A (NM_001030003.3, NM_001030004.3); c.3+9G>A (NM_001258355.2); c.115+9G>A (NM_178849.3, NM_000457.6, NM_178850.3).
Identifiers: ClinVar variation 3055187 (VCV003055187.2), dbSNP rs1216334774, ClinGen allele CA635970628.